The following is an entry in ClinVar:

NM_014629.4(ARHGEF10):c.3625G>A (p.Ala1209Thr)

Gene: ARHGEF10 (Rho guanine nucleotide exchange factor 10; plus strand). Cytogenetic location: 8p23.3.
Variant type: single nucleotide variant.
Coding change: c.3625G>A on transcript NM_014629.4 (MANE Select); coding-DNA position 3625, G replaced by A.
Protein change: p.Ala1209Thr; replaces alanine 1209 with threonine.
Molecular consequence: missense variant.
Genome position (GRCh38, 1-based): chr8:1,956,853, G>A. VCF-style: chr8-1956853-G-A. GRCh37 (hg19) VCF-style: chr8-1905019-G-A.
Other names: c.3511G>A, p.Ala1171Thr (NM_001308152.2); c.3625G>A, p.Ala1209Thr (NM_001308153.3); c.3628G>A, p.Ala1210Thr (NM_001438091.1); c.3508G>A, p.Ala1170Thr (NM_001438092.1, NM_001438093.1); c.3388G>A, p.Ala1130Thr (NM_001438094.1); short protein forms A1130T, A1170T, A1171T, A1209T, A1210T, A1233T.
Identifiers: ClinVar variation 4810230 (VCV004810230.1).

ClinVar aggregate classification (germline): Uncertain significance (1 of 4 stars; one submission).

Submission:

Labcorp Genetics (formerly Invitae), Labcorp
Classification: Uncertain significance. Last evaluated: 2025-10-17. Review status: criteria provided, single submitter. Criteria: Invitae Variant Classification Sherloc (09022015). Collection method: clinical testing. Allele origin: germline.
Comment: This sequence change replaces alanine, which is neutral and non-polar, with threonine, which is neutral and polar, at codon 1209 of the ARHGEF10 protein (p.Ala1209Thr). This variant is not present in population databases (gnomAD no frequency). This variant has not been reported in the literature in individuals affected with ARHGEF10-related conditions. Invitae Evidence Modeling of protein sequence and biophysical properties (such as structural, functional, and spatial information, amino acid conservation, physicochemical variation, residue mobility, and thermodynamic stability) indicates that this missense variant is not expected to disrupt ARHGEF10 protein function with a negative predictive value of 80%. In summary, the available evidence is currently insufficient to determine the role of this variant in disease. Therefore, it has been classified as a Variant of Uncertain Significance.